The following is an entry in ClinVar:

ClinVar aggregate classification (germline): Conflicting classifications of pathogenicity. Review status: criteria provided, conflicting classifications (1 of 4 stars). 7 submissions from 7 submitters: Uncertain significance (5); Likely benign (1). 1 of the submissions does not count toward it. Last evaluated 2025-11-03.

Conditions:
Hereditary cancer-predisposing syndrome. Also called: Hereditary Cancer Syndrome; Tumor predisposition; Neoplastic Syndromes, Hereditary; Hereditary neoplastic syndrome. Identifiers: Orphanet 140162, MedGen C0027672, MeSH D009386, MONDO:0015356.
Hereditary breast ovarian cancer syndrome. Also called: Breast and ovarian cancer; BRCA1- and BRCA2-Associated Hereditary Breast and Ovarian Cancer; Hereditary breast and ovarian cancer; Hereditary breast and ovarian cancer syndrome (HBOC); Hereditary breast and ovarian cancer syndrome; Hereditary breast and/or ovarian cancer syndrome. Identifiers: Orphanet 145, MedGen C0677776, MeSH D061325, MONDO:0003582. Disease mechanism: loss of function.
Breast-ovarian cancer, familial, susceptibility to, 2 (BROVCA2). Also called: BRCA2 Hereditary Breast and Ovarian Cancer. Identifiers: Orphanet 145, MedGen C2675520, MONDO:0012933, OMIM 612555. Disease mechanism: loss of function.

Allele frequency attached by ClinVar (database versions not stated): TOPMed 0.00001; gnomAD 0.00003.

Submissions (7):

Labcorp Genetics (formerly Invitae), Labcorp
Classification: Uncertain significance for Hereditary breast ovarian cancer syndrome. Last evaluated: 2025-11-03. Review status: criteria provided, single submitter. Criteria: Invitae Variant Classification Sherloc (09022015). Collection method: clinical testing. Allele origin: germline.
Comment: This sequence change replaces aspartic acid, which is acidic and polar, with glycine, which is neutral and non-polar, at codon 1909 of the BRCA2 protein (p.Asp1909Gly). This variant is present in population databases (rs80358798, gnomAD 0.007%). This missense change has been observed in individual(s) with BRCA2-related conditions (PMID: 10923033, 24504028). ClinVar contains an entry for this variant (Variation ID: 51917). Invitae Evidence Modeling of protein sequence and biophysical properties (such as structural, functional, and spatial information, amino acid conservation, physicochemical variation, residue mobility, and thermodynamic stability) indicates that this missense variant is not expected to disrupt BRCA2 protein function with a negative predictive value of 95%. RNA analysis performed to evaluate the impact of this missense change on mRNA splicing indicates it does not significantly alter splicing (internal data). In summary, the available evidence is currently insufficient to determine the role of this variant in disease. Therefore, it has been classified as a Variant of Uncertain Significance.

Ambry Genetics
Classification: Uncertain significance for Hereditary cancer-predisposing syndrome. Last evaluated: 2025-08-12. Review status: criteria provided, single submitter. Criteria: Ambry Variant Classification Scheme 2023. Collection method: clinical testing. Allele origin: germline.
Comment: The p.D1909G variant (also known as c.5726A>G), located in coding exon 10 of the BRCA2 gene, results from an A to G substitution at nucleotide position 5726. The aspartic acid at codon 1909 is replaced by glycine, an amino acid with similar properties. This alteration was identified in an individual diagnosed with ovarian cancer (Cunningham JM et al. Sci Rep, 2014 Feb;4:4026). This amino acid position is not well conserved in available vertebrate species, and glycine is the reference amino acid in other vertebrate species. In addition, this alteration is predicted to be tolerated by in silico analysis. Since supporting evidence is limited at this time, the clinical significance of this alteration remains unclear.

CeGaT Center for Human Genetics Tuebingen
Classification: Uncertain significance. Last evaluated: 2024-09-01. Review status: criteria provided, single submitter. Criteria: CeGaT Center For Human Genetics Tuebingen Variant Classification Criteria Version 2. Collection method: clinical testing. Allele origin: germline. Affected: yes. Observed: 1 variant allele.
Comment: BRCA2: PM2, BP1, BP4

Color Diagnostics, LLC DBA Color Health
Classification: Uncertain significance for Hereditary cancer-predisposing syndrome. Last evaluated: 2023-09-25. Review status: criteria provided, single submitter. Criteria: ACMG Guidelines, 2015. Collection method: clinical testing. Allele origin: germline.
Comment: This missense variant replaces aspartic acid with glycine at codon 1909 of the BRCA2 protein. Computational prediction suggests that this variant may not impact protein structure and function (internally defined REVEL score threshold <= 0.5, PMID: 27666373). To our knowledge, functional studies have not been reported for this variant. This variant has been reported in an individual affected with ovarian cancer (PMID: 24504028) and in a multifactorial analysis with co-occurrence and family history likelihood ratios for pathogenicity of 1.0498 and 0.846, respectively (PMID: 31131967). This variant has been identified in 1/31404 chromosomes in the general population by the Genome Aggregation Database (gnomAD). The available evidence is insufficient to determine the role of this variant in disease conclusively. Therefore, this variant is classified as a Variant of Uncertain Significance.

University of Washington Department of Laboratory Medicine, University of Washington
Classification: Likely benign for Hereditary cancer-predisposing syndrome. Last evaluated: 2023-03-23. Review status: criteria provided, single submitter. Criteria: Dines et al. (Genet Med. 2020). Collection method: curation. Allele origin: germline.
Comment: Missense variant in a coldspot region where missense variants are very unlikely to be pathogenic (PMID:31911673).

BRCA2 exon 11 coldspot. Reclassification based on statistical prior probability.

GeneDx
Classification: Uncertain significance. Last evaluated: 2016-01-13. Review status: criteria provided, single submitter. Criteria: GeneDx Variant Classification (06012015). Collection method: clinical testing. Allele origin: germline. Affected: yes.
Comment: This variant is denoted BRCA2 c.5726A>G at the cDNA level, p.Asp1909Gly (D1909G) at the protein level, and results in the change of an Aspartic Acid to a Glycine (GAT>GGT). Using alternate nomenclature, this variant would be defined as 5954A>G. This variant has not, to our knowledge, been published in the literature as pathogenic or benign. BRCA2 Asp1909Gly was not observed in approximately 6,500 individuals of European and African American ancestry in the NHLBI Exome Sequencing Project, suggesting it is not a common benign variant in these populations. Since Aspartic Acid and Glycine differ in polarity, charge, size or other properties, this is considered a non-conservative amino acid substitution. BRCA2 Asp1909Gly occurs at a position that is not conserved and is in the RAD51-binding BRC repeat region in the linker between repeat 6 and 7 (Uniprot). In silico analyses predict that this variant is unlikely to alter protein structure or function; however, multiple splicing models predict that this variant may create a novel cryptic splice site upstream of a strong natural splice donor site and may lead to abnormal splicing. However, in the absence of RNA or functional studies, the actual effect of this variant is unknown. Based on currently available information, it is unclear whether BRCA2 Asp1909Gly is pathogenic or benign. We consider it to be a variant of uncertain significance.

Breast Cancer Information Core (BIC) (BRCA2)
Classification: Uncertain significance for Breast-ovarian cancer, familial 2. Last evaluated: 2003-12-23. Review status: no assertion criteria provided. Collection method: clinical testing. Allele origin: germline. Affected: yes. Observed: 1 variant allele. Not counted in ClinVar's aggregate classification.

Literature cited by the submitters: PubMed 10923033 (cited by Labcorp Genetics (formerly Invitae), Labcorp); PubMed 24504028 (cited by 3 submitters); PubMed 31131967 (cited by Color Diagnostics, LLC DBA Color Health).

NM_000059.4(BRCA2):c.5726A>G (p.Asp1909Gly)

Gene: BRCA2 (BRCA2 DNA repair associated; plus strand). Cytogenetic location: 13q13.1.
Variant type: single nucleotide variant.
Coding change: c.5726A>G on transcript NM_000059.4 (MANE Select); coding-DNA position 5726, A replaced by G.
Protein change: p.Asp1909Gly; replaces aspartic acid 1909 with glycine.
Molecular consequence: missense variant.
Genome position (GRCh38, 1-based): chr13:32,340,081, A>G. VCF-style: chr13-32340081-A-G. GRCh37 (hg19) VCF-style: chr13-32914218-A-G.
Other names: p.D1909G:GAT>GGT; short protein forms D1909G.
Identifiers: ClinVar variation 51917 (VCV000051917.32), dbSNP rs80358798, ClinGen allele CA023062.